The following is an entry in ClinVar:

NM_001114753.3(ENG):c.1470_1471insC (p.Asp491fs)

Genes: ENG (endoglin; minus strand), LOC102723566 (uncharacterized LOC102723566; plus strand). Cytogenetic location: 9q34.11.
Variant type: Insertion.
Coding change: c.1470_1471insC on transcript NM_001114753.3 (MANE Select); coding-DNA positions 1470 to 1471, C inserted.
Protein change: p.Asp491fs; shifts the reading frame from aspartic acid 491.
Molecular consequence: frameshift variant. On other transcripts: non-coding transcript variant (1).
Genome position: GRCh38 VCF-style: chr9-127818335-C-CG. GRCh37 (hg19) VCF-style: chr9-130580614-C-CG.
Other names: c.1470_1471insC, p.Asp491fs (NM_000118.4); c.924_925insC, p.Asp309fs (NM_001278138.2); short protein forms D309fs, D491fs.
Identifiers: ClinVar variation 4727042 (VCV004727042.1).
Genomic context (GRCh38, chr9:127,818,335, plus strand): 5'-CCCGGCCCTGGATGAGTTCCACGGTGCCTCCCTCAGGCCCCAAGTCCAGGTGGCAGCTGT[C>CG]TAACTGGAGCAGGAACTCGGAGACGGATGGGGACACTCTGACCTGCATGGGTAGGTAGGG-3'

ClinVar aggregate classification (germline): Pathogenic (1 of 4 stars; one submission).

Conditions:
Hereditary hemorrhagic telangiectasia (HHT). Also called: ORW DISEASE; Osler Weber Rendu syndrome; OSLER-RENDU-WEBER DISEASE; Osler hemorrhagic telangiectasia syndrome. Identifiers: Orphanet 774, MedGen C0039445, MONDO:0019180. Disease mechanism: loss of function.

Submission:

Labcorp Genetics (formerly Invitae), Labcorp
Classification: Pathogenic for Hereditary hemorrhagic telangiectasia. Last evaluated: 2025-09-11. Review status: criteria provided, single submitter. Criteria: Invitae Variant Classification Sherloc (09022015). Collection method: clinical testing. Allele origin: germline.
Comment: This sequence change creates a premature translational stop signal (p.Asp491Argfs*10) in the ENG gene. It is expected to result in an absent or disrupted protein product. Loss-of-function variants in ENG are known to be pathogenic (PMID: 15879500). This variant is not present in population databases (gnomAD no frequency). This premature translational stop signal has been observed in individual(s) with hereditary hemorrhagic telangiectasia (PMID: 10625079). For these reasons, this variant has been classified as Pathogenic.

Literature cited by the submitters: PubMed 15879500; PubMed 10625079.